The following is an entry in ClinVar:

NM_006736.6(DNAJB2):c.-23C>T

Gene: DNAJB2 (DnaJ heat shock protein family (Hsp40) member B2; plus strand). Cytogenetic location: 2q35.
Variant type: single nucleotide variant.
Coding change: c.-23C>T on transcript NM_006736.6 (MANE Select); 23 bases upstream of the start codon, C replaced by T.
Molecular consequence: 5 prime UTR variant.
Genome position (GRCh38, 1-based): chr2:219,279,811, C>T. VCF-style: chr2-219279811-C-T. GRCh37 (hg19) VCF-style: chr2-220144533-C-T.
Other names: c.-23C>T (NM_001039550.2).
Identifiers: ClinVar variation 385056 (VCV000385056.2), dbSNP rs370901455, ClinGen allele CA2122790.

ClinVar aggregate classification (germline): Likely benign. Review status: criteria provided, multiple submitters, no conflicts (2 of 4 stars). 2 submissions from 2 submitters: Likely benign (2). Last evaluated 2016-10-20.

Allele frequency attached by ClinVar (database versions not stated): ExAC 0.00027; 1000 Genomes Project 30x 0.00031; 1000 Genomes Project 0.00040; gnomAD 0.00048; ESP Exome Variant Server 0.00077; TOPMed 0.00088.
gnomAD v4.1: 234 of 1,613,502 alleles (0.015%); highest among the groups gnomAD compares: African/African-American, 0.27%; no homozygotes.

Submissions (2):

GeneDx
Classification: Likely benign. Last evaluated: 2016-10-20. Review status: criteria provided, single submitter. Criteria: GeneDx Variant Classification (06012015). Collection method: clinical testing. Allele origin: germline. Affected: yes.
Comment: This variant is considered likely benign or benign based on one or more of the following criteria: it is a conservative change, it occurs at a poorly conserved position in the protein, it is predicted to be benign by multiple in silico algorithms, and/or has population frequency not consistent with disease.

Breakthrough Genomics
Classification: Likely benign. Review status: criteria provided, single submitter. Criteria: ACMG Guidelines, 2015. Collection method: not provided. Allele origin: germline. Inheritance: Autosomal recessive inheritance. Affected: yes.